The following is an entry in ClinVar:

NM_018979.4(WNK1):c.*2007C>T

Gene: WNK1 (WNK lysine deficient protein kinase 1; plus strand). Cytogenetic location: 12p13.33.
Variant type: single nucleotide variant.
Coding change: c.*2007C>T on transcript NM_018979.4 (MANE Select); 2007 bases downstream of the stop codon, C replaced by T.
Molecular consequence: 3 prime UTR variant.
Genome position (GRCh38, 1-based): chr12:910,799, C>T. VCF-style: chr12-910799-C-T. GRCh37 (hg19) VCF-style: chr12-1019965-C-T.
Other names: c.*2007C>T (NM_001184985.2, NM_014823.3, NM_213655.5).
Identifiers: ClinVar variation 882458 (VCV000882458.4), dbSNP rs150269723, ClinGen allele CA231499749.

ClinVar aggregate classification (germline): Benign (1 of 4 stars; one submission).

Conditions:
Pseudohypoaldosteronism type 2C (PHA2C). Also called: Pseudohypoaldosteronism Type IIC. Identifiers: Orphanet 757, Orphanet 88940, MedGen C1840391, MONDO:0013778, OMIM 614492.

Allele frequency attached by ClinVar (database versions not stated): gnomAD 0.00080 and 0.00085; TOPMed 0.00088; 1000 Genomes Project 0.00100; 1000 Genomes Project 30x 0.00109.

Submission:

Illumina Laboratory Services, Illumina
Classification: Benign for Pseudohypoaldosteronism type 2C. Last evaluated: 2018-01-13. Review status: criteria provided, single submitter. Criteria: ICSL Variant Classification Criteria 13 December 2019. Collection method: clinical testing. Allele origin: germline.
Comment: This variant was observed in the ICSL laboratory as part of a predisposition screen in an ostensibly healthy population. It had not been previously curated by ICSL or reported in the Human Gene Mutation Database (HGMD: prior to June 1st, 2018), and was therefore a candidate for classification through an automated scoring system. Utilizing variant allele frequency, disease prevalence and penetrance estimates, and inheritance mode, an automated score was calculated to assess if this variant is too frequent to cause the disease. Based on the score and internal cut-off values, a variant classified as benign is not then subjected to further curation. The score for this variant resulted in a classification of benign for this disease.